The following is an entry in ClinVar:

ClinVar aggregate classification (germline): Benign/Likely benign. Review status: criteria provided, multiple submitters, no conflicts (2 of 4 stars). 5 submissions from 5 submitters: Benign (1); Likely benign (4). Last evaluated 2026-06-12.

Conditions:
Hereditary cancer-predisposing syndrome. Also called: Neoplastic Syndromes, Hereditary; Tumor predisposition; Hereditary Cancer Syndrome; Hereditary neoplastic syndrome. Identifiers: Orphanet 140162, MedGen C0027672, MeSH D009386, MONDO:0015356.
SDHA-related disorder. Also called: SDHA-related condition; SDHA-related disorders.
Mitochondrial complex II deficiency, nuclear type 1. Also called: SUCCINATE CoQ REDUCTASE DEFICIENCY. Identifiers: Orphanet 3208, MedGen C5700310, MONDO:0100294, OMIM 252011.
Pheochromocytoma/paraganglioma syndrome 5. Also called: Paragangliomas 5; SDHA-Related Hereditary Paraganglioma-Pheochromocytoma Syndrome. Identifiers: Orphanet 29072, MedGen C3279992, MONDO:0013602, OMIM 614165.

Allele frequency attached by ClinVar (database versions not stated): gnomAD exomes 0.00002 and 0.00007; TOPMed below 0.00001; ExAC 0.00002.
gnomAD v4.1: 100 of 1,614,024 alleles (0.0062%); highest among the groups gnomAD compares: Non-Finnish European, 0.0081%; no homozygotes.

Submissions (5):

PreventionGenetics, part of Exact Sciences
Classification: Likely benign for SDHA-related condition. Last evaluated: 2026-06-12. Review status: criteria provided, single submitter. Criteria: ACMG Guidelines, 2015. Collection method: clinical testing. Allele origin: germline.
Comment: This variant is classified as likely benign based on ACMG/AMP sequence variant interpretation guidelines (Richards et al. 2015 PMID: 25741868, with internal and published modifications).

Labcorp Genetics (formerly Invitae), Labcorp
Classification: Likely benign for Pheochromocytoma/paraganglioma syndrome 5; Mitochondrial complex II deficiency, nuclear type 1. Last evaluated: 2025-11-18. Review status: criteria provided, single submitter. Criteria: Invitae Variant Classification Sherloc (09022015). Collection method: clinical testing. Allele origin: germline.

Myriad Genetics, Inc.
Classification: Benign for Pheochromocytoma/paraganglioma syndrome 5. Last evaluated: 2025-03-07. Review status: criteria provided, single submitter. Criteria: Myriad Autosomal Dominant, Autosomal Recessive and X-Linked Classification Criteria (2023). Collection method: clinical testing. Allele origin: unknown.
Comment: This variant is considered benign. This variant is a silent/synonymous amino acid change and it is not expected to impact splicing.

Molecular Pathology, Peter Maccallum Cancer Centre
Classification: Likely benign for Pheochromocytoma/paraganglioma syndrome 5. Last evaluated: 2025-01-30. Review status: criteria provided, single submitter. Criteria: ACMG Guidelines, 2015. Collection method: clinical testing. Allele origin: germline. Inheritance: Autosomal dominant inheritance.

Ambry Genetics
Classification: Likely benign for Hereditary cancer-predisposing syndrome. Last evaluated: 2020-08-07. Review status: criteria provided, single submitter. Criteria: Ambry Variant Classification Scheme 2023. Collection method: clinical testing. Allele origin: germline.

NM_004168.4(SDHA):c.1146C>A (p.Gly382=)

Gene: SDHA (succinate dehydrogenase complex flavoprotein subunit A; plus strand). Cytogenetic location: 5p15.33.
Variant type: single nucleotide variant.
Coding change: c.1146C>A on transcript NM_004168.4 (MANE Select); coding-DNA position 1146, C replaced by A.
Protein change: p.Gly382=; no amino-acid change (glycine 382 retained).
Molecular consequence: synonymous variant.
Genome position (GRCh38, 1-based): chr5:235,225, C>A. VCF-style: chr5-235225-C-A. GRCh37 (hg19) VCF-style: chr5-235340-C-A.
Other names: c.1002C>A, p.Gly334= (NM_001294332.2); c.1146C>A, p.Gly382= (NM_001330758.2).
Identifiers: ClinVar variation 702902 (VCV000702902.16), dbSNP rs768947225, ClinGen allele CA3173120.